The following is an entry in ClinVar:

ClinVar aggregate classification (germline): Pathogenic/Likely pathogenic. Review status: criteria provided, multiple submitters, no conflicts (2 of 4 stars). 9 submissions from 8 submitters: Pathogenic (5); Likely pathogenic (3). 1 of the submissions does not count toward it. Last evaluated 2025-05-21.

Conditions:
Retinal dystrophy. Also called: Inherited retinal dystrophy. Identifiers: Orphanet 71862, MedGen C0854723, MeSH D058499, MONDO:0019118, HP:0000556.
Retinitis pigmentosa 39 (RP39). Identifiers: Orphanet 791, MedGen C3151138, MONDO:0013436, OMIM 613809.
Usher syndrome type 2A. Also called: RETINAL DISEASE IN USHER SYNDROME TYPE IIA, MODIFIER OF; USHER SYNDROME, TYPE IIA. Identifiers: Orphanet 231178, Orphanet 886, MedGen C1848634, MONDO:0010169, OMIM 276901.

Allele frequency attached by ClinVar (database versions not stated): TOPMed below 0.00001; gnomAD 0.00001; gnomAD exomes 0.00001.
gnomAD v4.1: 4 of 1,613,754 alleles (0.00025%); highest among the groups gnomAD compares: Non-Finnish European, 0.00034%; no homozygotes.

Submissions (9):

Natera, Inc.
Classification: Pathogenic for Usher syndrome type 2A. Last evaluated: 2025-05-21. Review status: criteria provided, single submitter. Criteria: Natera Variant Classification Schema (03/2026). Collection method: clinical testing. Allele origin: germline.
Comment: The c.8522G>A variant in USH2A is a nonsense variant predicted to introduce a stop codon at amino acid 2841. This variant is expected to result in nonsense mediated decay, truncation, or a dysfunctional protein product. This variant is rare in the general population with a frequency below the threshold expected for the associated phenotype(s). This variant has been observed in one or more individuals affected with the associated recessive disease, as either homozygous or compound heterozygous with a second variant (PMID: 26969326, 27460420, 28944237, 32531858). Given the available evidence, this variant is classified as Pathogenic.

Fulgent Genetics
Classification: Pathogenic for Usher syndrome type 2A; Retinitis pigmentosa 39. Last evaluated: 2024-03-14. Review status: criteria provided, single submitter. Criteria: ACMG Guidelines, 2015. Collection method: clinical testing. Allele origin: germline.

Baylor Genetics
Classification: Pathogenic for Retinitis pigmentosa 39. Last evaluated: 2024-02-27. Review status: criteria provided, single submitter. Criteria: ACMG Guidelines, 2015. Collection method: clinical testing. Allele origin: unknown.

Genome-Nilou Lab
Classification: Likely pathogenic for Retinitis pigmentosa 39. Last evaluated: 2023-11-04. Review status: criteria provided, single submitter. Criteria: ACMG Guidelines, 2015. Collection method: clinical testing. Allele origin: germline. Affected: no.

Genome-Nilou Lab
Classification: Likely pathogenic for Usher syndrome type 2A. Last evaluated: 2023-11-04. Review status: criteria provided, single submitter. Criteria: ACMG Guidelines, 2015. Collection method: clinical testing. Allele origin: germline. Affected: no.

Labcorp Genetics (formerly Invitae), Labcorp
Classification: Pathogenic. Last evaluated: 2023-10-09. Review status: criteria provided, single submitter. Criteria: Invitae Variant Classification Sherloc (09022015). Collection method: clinical testing. Allele origin: germline.
Comment: This sequence change creates a premature translational stop signal (p.Trp2841*) in the USH2A gene. It is expected to result in an absent or disrupted protein product. Loss-of-function variants in USH2A are known to be pathogenic (PMID: 10729113, 10909849, 20507924, 25649381). This variant is not present in population databases (gnomAD no frequency). This premature translational stop signal has been observed in individuals with Usher syndrome and retinitis pigmentosa (PMID: 26969326, 27353947, 27460420, 28559085, 30924848). ClinVar contains an entry for this variant (Variation ID: 424934). For these reasons, this variant has been classified as Pathogenic.

Institute of Human Genetics, Univ. Regensburg, Univ. Regensburg
Classification: Pathogenic for Retinal dystrophy. Last evaluated: 2021-01-01. Review status: criteria provided, single submitter. Criteria: ACMG Guidelines, 2015. Collection method: clinical testing. Allele origin: germline. Affected: yes.

CeGaT Center for Human Genetics Tuebingen
Classification: Likely pathogenic. Last evaluated: 2016-09-30. Review status: criteria provided, single submitter. Criteria: Praxis fuer Humangenetik Tuebingen - Variant Classification Criteria. Collection method: clinical testing. Allele origin: germline. Affected: yes. Observed: 1 variant allele.

Counsyl
Classification: Pathogenic for Usher syndrome type 2A; Retinitis pigmentosa 39. Last evaluated: 2017-05-09. Review status: no assertion criteria provided. Collection method: clinical testing. Allele origin: unknown. Not counted in ClinVar's aggregate classification.

Literature cited by the submitters: PubMed 26969326 (cited by 3 submitters); PubMed 27460420 (cited by 4 submitters); PubMed 28944237 (cited by Natera, Inc.); PubMed 32531858 (cited by Natera, Inc. and Institute of Human Genetics, Univ. Regensburg, Univ. Regensburg); PubMed 10729113 (cited by Labcorp Genetics (formerly Invitae), Labcorp); PubMed 10909849 (cited by Labcorp Genetics (formerly Invitae), Labcorp); PubMed 20507924 (cited by Labcorp Genetics (formerly Invitae), Labcorp); PubMed 25649381 (cited by Labcorp Genetics (formerly Invitae), Labcorp); PubMed 27353947 (cited by Labcorp Genetics (formerly Invitae), Labcorp and Counsyl); PubMed 28559085 (cited by Labcorp Genetics (formerly Invitae), Labcorp and Institute of Human Genetics, Univ. Regensburg, Univ. Regensburg); PubMed 30924848 (cited by Labcorp Genetics (formerly Invitae), Labcorp and Institute of Human Genetics, Univ. Regensburg, Univ. Regensburg); PubMed 35266249 (cited by Institute of Human Genetics, Univ. Regensburg, Univ. Regensburg).

NM_206933.4(USH2A):c.8522G>A (p.Trp2841Ter)

Gene: USH2A (usherin; minus strand). Cytogenetic location: 1q41.
Variant type: single nucleotide variant.
Coding change: c.8522G>A on transcript NM_206933.4 (MANE Select); coding-DNA position 8522, G replaced by A.
Protein change: p.Trp2841Ter; replaces tryptophan 2841 with a stop codon.
Molecular consequence: nonsense.
Genome position (GRCh38, 1-based): chr1:215,878,800, C>T on the plus strand (G>A on the coding strand, the complement: USH2A is on the minus strand). VCF-style: chr1-215878800-C-T. GRCh37 (hg19) VCF-style: chr1-216052142-C-T.
Other names: short protein forms W2841*.
Identifiers: ClinVar variation 424934 (VCV000424934.17), dbSNP rs1064797134, ClinGen allele CA16621590.
Genomic context (GRCh38, chr1:215,878,800, plus strand): 5'-AAAATCATAGTCACCTTCTCTTACCTCAAATTAGGTCCATTTGGCTTGGATGGTGGTTGC[C>T]AAGAAATCACAACATATGATTCACTTAGTGGAATCACAGACAATGGGCCAACATTCTGAG-3'